The following is an entry in ClinVar:

NM_013296.5(GPSM2):c.1578del (p.Pro528fs)

Gene: GPSM2 (G protein signaling modulator 2; plus strand). Cytogenetic location: 1p13.3.
Variant type: Deletion.
Coding change: c.1578del on transcript NM_013296.5 (MANE Select); coding-DNA position 1578, one base deleted (T; older notation c.1578delT).
Protein change: p.Pro528fs; shifts the reading frame from proline 528.
Molecular consequence: frameshift variant.
Genome position (GRCh38, 1-based): chr1:108,922,554, T deleted. VCF-style (leftmost placement, unchanged base first): chr1-108922553-CT-C. GRCh37 (hg19) VCF-style: chr1-109465175-CT-C.
Other names: c.1578del, p.Pro528fs (NM_001321038.2, NM_001321039.3); short protein forms P528fs.
Identifiers: ClinVar variation 3377596 (VCV003377596.1).

ClinVar aggregate classification (germline): Likely pathogenic (1 of 4 stars; one submission).

Conditions:
Chudley-McCullough syndrome (CMCS). Also called: Deafness, autosomal recessive 82; DEAFNESS, SENSORINEURAL, WITH PARTIAL AGENESIS OF THE CORPUS CALLOSUM AND ARACHNOID CYSTS. Identifiers: Orphanet 314597, MedGen C1858695, MONDO:0011411, OMIM 604213.

Submission:

Neuberg Centre For Genomic Medicine, NCGM
Classification: Likely pathogenic for Chudley-McCullough syndrome. Last evaluated: 2023-06-22. Review status: criteria provided, single submitter. Criteria: ACMG Guidelines, 2015. Collection method: clinical testing. Allele origin: germline. Inheritance: Autosomal recessive inheritance. Affected: yes.
Comment: The observed frameshift c.1578del(p.Pro528LeufsTer3) variant in GPSM2 gene has not been reported previously as a pathogenic variant nor as a benign variant, to our knowledge. The p.Pro528LeufsTer3 variant is absent in gnomAD Exomes database. This variant has not been reported to the ClinVar database. This variant causes a frameshift starting with codon Proline 528, changes this amino acid to Leucine residue, and creates a premature Stop codon at position 3 of the new reading frame, denoted p.Pro528LeufsTer3. This variant is predicted to cause loss of normal protein function through protein truncation. Loss of function variants have been previously reported to be disease causing. For these reasons, this variant has been classified as Likely pathogenic.